The following is an entry in ClinVar:

ClinVar aggregate classification (germline): Pathogenic/Likely pathogenic. Review status: criteria provided, multiple submitters, no conflicts (2 of 4 stars). 2 submissions from 2 submitters: Pathogenic (1); Likely pathogenic (1). Last evaluated 2026-07-29.

Submissions (2):

GeneDx
Classification: Pathogenic. Last evaluated: 2026-07-29. Review status: criteria provided, single submitter. Criteria: GeneDx Variant Classification Process June 2021. Collection method: clinical testing. Allele origin: germline.
Comment: Observed with a pathogenic variant on the opposite allele (in trans) in a patient with severe ichthyosis vulgaris and eczema (PMID: 17417636); Frameshift variant predicted to result in abnormal protein length as the last 384 amino acid(s) are replaced with 35 different amino acid(s), and other similar variants have been reported in HGMD; This variant is associated with the following publications: (PMID: 17417636, 16444271, To2026[Article])

Genetic Services Laboratory, University of Chicago
Classification: Likely pathogenic. Last evaluated: 2024-08-14. Review status: criteria provided, single submitter. Criteria: ACMG Guidelines, 2015. Collection method: clinical testing. Allele origin: germline. Affected: yes.
Comment: DNA sequence analysis of the FLG gene demonstrated a 4 base pair deletion in exon 3, c.11033_11036del. This sequence change results in an amino acid frameshift and creates a premature stop codon 35 amino acids downstream of the change, p.Ser3678Cysfs*36. This sequence change is predicted to result in an abnormal transcript, which may be degraded, or may lead to the production of a truncated FLG protein with potentially abnormal function. This deletion has been previously described in an individual with severe ichthyosis vulgaris and eczema along with another truncating variant in the same gene (PMID: 17417636). Loss of function variants in FLG have been previously been described in the literature in association with ichthyosis vulgaris (IV) (PMID: 27667308., 29056476). This sequence change has been described in the gnomAD database with a frequency of 0.017% in the African/African American subpopulation (dbSNP rs775253166 ). Collectively, this evidence indicates that this sequence change is likely pathogenic, however functional studies have not been performed to prove this conclusively.

NM_002016.2(FLG):c.11033_11036del (p.Ser3678fs)

Genes: CCDST (cervical cancer associated DHX9 suppressive transcript; plus strand), FLG (filaggrin; minus strand). Cytogenetic location: 1q21.3.
Variant type: Microsatellite.
Coding change: c.11033_11036del on transcript NM_002016.2 (MANE Select); coding-DNA positions 11033 to 11036, 4 bases deleted (CAGT; older notation c.11033_11036delCAGT).
Protein change: p.Ser3678fs; shifts the reading frame from serine 3678.
Molecular consequence: frameshift variant.
Genome position (GRCh38, 1-based): chr1:152,303,850-152,303,853, ACTG deleted on the plus strand (CAGT on the coding strand, the reverse complement: FLG is on the minus strand); deleting any 4 consecutive bases within chr1:152,303,850-152,303,857 gives the same sequence; the c. name uses the placement nearest the transcript's 3' end. VCF-style (leftmost placement, unchanged base first): chr1-152303849-CACTG-C. GRCh37 (hg19) VCF-style: chr1-152276325-CACTG-C.
Other names: c.11033_11036del (NM_002016.1); c.11029_11032CAGT[1], p.Ser3678Cysfs (NM_002016.1); short protein forms S3678fs.
Identifiers: ClinVar variation 3252147 (VCV003252147.4), dbSNP rs775253166.
Genomic context (GRCh38, chr1:152,303,849, plus strand): 5'-CCGGCCACGTGTGGACTCTTGGTGGCTCTGCTGATGGGGCCCAGCCTGTCCGTGGGCTGA[CACTG>C]ACTGTGTGTCTGAGTCTTCTGAATGTCCCTCACTGTCACTGGCCTGACTACCACTGGACC-3'